The following is an entry in ClinVar:

ClinVar aggregate classification (germline): Uncertain significance. Review status: criteria provided, multiple submitters, no conflicts (2 of 4 stars). 2 submissions from 2 submitters: Uncertain significance (2). Last evaluated 2022-04-01.

Conditions:
Proteinuria, chronic benign. Identifiers: MedGen C5394384, MONDO:0030042, OMIM 618884.
Imerslund-Grasbeck syndrome type 1 (IGS1). Also called: Imerslund-Gräsbeck syndrome 1; Megaloblastic anemia 1, Finnish type; MEGALOBLASTIC ANEMIA, 1. Identifiers: MedGen C4016819, MONDO:0100156, OMIM 261100.
Imerslund-Grasbeck syndrome. Also called: PERNICIOUS ANEMIA, JUVENILE, DUE TO SELECTIVE INTESTINAL MALABSORPTION OF VITAMIN B12, WITH PROTEINURIA; Megaloblastic anemia due to inborn errors of metabolism; ENTEROCYTE COBALAMIN MALABSORPTION; ENTEROCYTE INTRINSIC FACTOR RECEPTOR, DEFECT OF; Imerslund-Gräsbeck syndrome. Identifiers: Orphanet 35858, MedGen C4551825, MONDO:0009853.

Allele frequency attached by ClinVar (database versions not stated): gnomAD exomes 0.00003.
gnomAD v4.1: 47 of 1,614,086 alleles (0.0029%); highest among the groups gnomAD compares: Non-Finnish European, 0.004%; no homozygotes.

Submissions (2):

Fulgent Genetics
Classification: Uncertain significance for Imerslund-Grasbeck syndrome type 1; Proteinuria, chronic benign. Last evaluated: 2022-04-01. Review status: criteria provided, single submitter. Criteria: ACMG Guidelines, 2015. Collection method: clinical testing. Allele origin: unknown.

Labcorp Genetics (formerly Invitae), Labcorp
Classification: Uncertain significance for Imerslund-Grasbeck syndrome. Last evaluated: 2021-11-25. Review status: criteria provided, single submitter. Criteria: Invitae Variant Classification Sherloc (09022015). Collection method: clinical testing. Allele origin: germline.
Comment: This sequence change replaces proline, which is neutral and non-polar, with arginine, which is basic and polar, at codon 2466 of the CUBN protein (p.Pro2466Arg). This variant is not present in population databases (gnomAD no frequency). This variant has not been reported in the literature in individuals affected with CUBN-related conditions. Algorithms developed to predict the effect of missense changes on protein structure and function are either unavailable or do not agree on the potential impact of this missense change (SIFT: "Deleterious"; PolyPhen-2: "Not Available"; Align-GVGD: "Class C65"). In summary, the available evidence is currently insufficient to determine the role of this variant in disease. Therefore, it has been classified as a Variant of Uncertain Significance.

NM_001081.4(CUBN):c.7397C>G (p.Pro2466Arg)

Gene: CUBN (cubilin; minus strand). Cytogenetic location: 10p13.
Variant type: single nucleotide variant.
Coding change: c.7397C>G on transcript NM_001081.4 (MANE Select); coding-DNA position 7397, C replaced by G.
Protein change: p.Pro2466Arg; replaces proline 2466 with arginine.
Molecular consequence: missense variant.
Genome position (GRCh38, 1-based): chr10:16,913,947, G>C on the plus strand (C>G on the coding strand, the complement: CUBN is on the minus strand). VCF-style: chr10-16913947-G-C. GRCh37 (hg19) VCF-style: chr10-16955946-G-C.
Other names: short protein forms P2466R.
Identifiers: ClinVar variation 1447337 (VCV001447337.4), dbSNP rs1184270888, ClinGen allele CA376145311.
Genomic context (GRCh38, chr10:16,913,947, plus strand): 5'-TCCGGGGCAGTGATTCTCCACTCGCAGATCCGGCCATGAGGATTTGGGTTCGGGTAGTTG[G>C]GAGAAGTAAATGTTCCAATAGAGCCCTGAAGATCCCCACCACACTCTGACGTGGGGAAAA-3'
Protein context (NP_001072.2, residues 2456-2476): LQGSIGTFTS[Pro2466Arg]NYPNPNPHGR